The following is an entry in ClinVar:

ClinVar aggregate classification (germline): Uncertain significance (1 of 4 stars; one submission).

Allele frequency attached by ClinVar (database versions not stated): TOPMed below 0.00001.

Submission:

GeneDx
Classification: Uncertain significance. Last evaluated: 2021-06-10. Review status: criteria provided, single submitter. Criteria: GeneDx Variant Classification Process June 2021. Collection method: clinical testing. Allele origin: germline. Affected: yes.
Comment: This variant is associated with the following publications: (PMID: 27535533)

NM_001277062.2(MFF):c.796C>T (p.Arg266Cys)

Gene: MFF (mitochondrial fission factor; plus strand). Cytogenetic location: 2q36.3.
Variant type: single nucleotide variant.
Coding change: c.796C>T on transcript NM_001277062.2 (MANE Select); coding-DNA position 796, C replaced by T.
Protein change: p.Arg266Cys; replaces arginine 266 with cysteine.
Molecular consequence: missense variant. On other transcripts: non-coding transcript variant (1).
Genome position (GRCh38, 1-based): chr2:227,357,037, C>T. VCF-style: chr2-227357037-C-T. GRCh37 (hg19) VCF-style: chr2-228221753-C-T.
Other names: c.949C>T, p.Arg317Cys (NM_001277061.2, NM_020194.5); c.652C>T, p.Arg218Cys (NM_001277063.2); c.637C>T, p.Arg213Cys (NM_001277064.2); c.577C>T, p.Arg193Cys (NM_001277065.2, NM_001277066.2); c.586C>T, p.Arg196Cys (NM_001277067.1); c.679C>T, p.Arg227Cys (NM_001277068.1); short protein forms R193C, R196C, R213C, R218C, R227C, R266C, R317C.
Identifiers: ClinVar variation 1327652 (VCV001327652.2), dbSNP rs2076294224, ClinGen allele CA350857489.
Genomic context (GRCh38, chr2:227,357,037, plus strand): 5'-TTCACTTAGATAATCAAACTAAATAGACGTCTACAACTTCTGGAAGAGGAGAACAAAGAA[C>T]GTGCTAAAAGAGAAATGGTCATGTATTCAATTACTGTAGCTTTCTGGCTGCTTAATAGCT-3'
Protein context (NP_001263991.1, residues 256-276): LQLLEEENKE[Arg266Cys]AKREMVMYSI